The following is an entry in ClinVar:

ClinVar aggregate classification (germline): Uncertain significance. Review status: criteria provided, multiple submitters, no conflicts (2 of 4 stars). 2 submissions from 2 submitters: Uncertain significance (2). Last evaluated 2021-08-24.

Conditions:
Glycogen storage disease type III (GSD3). Also called: Cori disease; FORBES DISEASE. Identifiers: Orphanet 366, MedGen C0017922, MONDO:0009291, OMIM 232400.

Allele frequency attached by ClinVar (database versions not stated): gnomAD exomes below 0.00001 and 0.00001; gnomAD 0.00001; TOPMed 0.00001.
gnomAD v4.1: 12 of 1,613,816 alleles (0.00074%); highest among the groups gnomAD compares: Non-Finnish European, 0.001%; no homozygotes.

Submissions (2):

Labcorp Genetics (formerly Invitae), Labcorp
Classification: Uncertain significance for Glycogen storage disease type III. Last evaluated: 2021-08-24. Review status: criteria provided, single submitter. Criteria: Invitae Variant Classification Sherloc (09022015). Collection method: clinical testing. Allele origin: germline.
Comment: This sequence change replaces serine with proline at codon 894 of the AGL protein (p.Ser894Pro). The serine residue is weakly conserved and there is a moderate physicochemical difference between serine and proline. This variant is not present in population databases (ExAC no frequency). This variant has not been reported in the literature in individuals affected with AGL-related conditions. Algorithms developed to predict the effect of missense changes on protein structure and function (SIFT, PolyPhen-2, Align-GVGD) all suggest that this variant is likely to be tolerated. In summary, the available evidence is currently insufficient to determine the role of this variant in disease. Therefore, it has been classified as a Variant of Uncertain Significance.

Blueprint Genetics
Classification: Uncertain significance. Last evaluated: 2017-08-01. Review status: criteria provided, single submitter. Criteria: ACMG Guidelines, 2015. Collection method: clinical testing. Allele origin: germline.

NM_000642.3(AGL):c.2680T>C (p.Ser894Pro)

Gene: AGL (amylo-alpha-1,6-glucosidase and 4-alpha-glucanotransferase; plus strand). Cytogenetic location: 1p21.2.
Variant type: single nucleotide variant.
Coding change: c.2680T>C on transcript NM_000642.3 (MANE Select); coding-DNA position 2680, T replaced by C.
Protein change: p.Ser894Pro; replaces serine 894 with proline.
Molecular consequence: missense variant.
Genome position (GRCh38, 1-based): chr1:99,884,702, T>C. VCF-style: chr1-99884702-T-C. GRCh37 (hg19) VCF-style: chr1-100350258-T-C.
Other names: c.2680T>C, p.Ser894Pro (NM_000028.3, NM_000643.3, NM_000644.3 and 2 more transcripts); c.2632T>C, p.Ser878Pro (NM_000646.3); c.2479T>C, p.Ser827Pro (NM_001425327.1); c.2476T>C, p.Ser826Pro (NM_001425328.1); c.2302T>C, p.Ser768Pro (NM_001425332.1); short protein forms S894P, S878P, S768P, S826P, S827P.
Identifiers: ClinVar variation 1410220 (VCV001410220.6), dbSNP rs200856850, ClinGen allele CA27519681.